The following is an entry in ClinVar:

ClinVar aggregate classification (germline): Uncertain significance (1 of 4 stars; one submission).

Conditions:
PCNT-related disorder. Also called: PCNT-related condition.

gnomAD v4.1: 8 of 1,613,954 alleles (0.0005%); highest among the groups gnomAD compares: East Asian, 0.0022%; no homozygotes.

Submission:

PreventionGenetics, part of Exact Sciences
Classification: Uncertain significance for PCNT-related condition. Last evaluated: 2026-03-18. Review status: criteria provided, single submitter. Criteria: ACMG Guidelines, 2015. Collection method: clinical testing. Allele origin: germline.
Comment: The PCNT c.7334C>T variant is predicted to result in the amino acid substitution p.Ala2445Val. To our knowledge, this variant has not been reported in the literature. This variant is reported in 0.011% of alleles in individuals of East Asian descent in gnomAD. At this time, the clinical significance of this variant is uncertain due to the absence of conclusive functional and genetic evidence.

NM_006031.6(PCNT):c.7334C>T (p.Ala2445Val)

Gene: PCNT (pericentrin; plus strand). Cytogenetic location: 21q22.3.
Variant type: single nucleotide variant.
Coding change: c.7334C>T on transcript NM_006031.6 (MANE Select); coding-DNA position 7334, C replaced by T.
Protein change: p.Ala2445Val; replaces alanine 2445 with valine.
Molecular consequence: missense variant.
Genome position (GRCh38, 1-based): chr21:46,427,635, C>T. VCF-style: chr21-46427635-C-T. GRCh37 (hg19) VCF-style: chr21-47847549-C-T.
Other names: c.6980C>T, p.Ala2327Val (NM_001315529.2); short protein forms A2327V, A2445V.
Identifiers: ClinVar variation 4979720 (VCV004979720.1).